The following is an entry in ClinVar:

ClinVar aggregate classification (germline): Uncertain significance (1 of 4 stars; one submission).

Submission:

Women's Health and Genetics/Laboratory Corporation of America, LabCorp
Classification: Uncertain significance. Last evaluated: 2026-06-16. Review status: criteria provided, single submitter. Criteria: LabCorp Variant Classification Summary - May 2015. Collection method: clinical testing. Allele origin: germline.
Comment: Variant summary: GAA c.-32-3_-26del10 is located in the untranslated mRNA region (intron 1) upstream of the initiation codon. Several computational tools predict a significant impact on normal splicing: Four predict that the variant abolishes a 3' acceptor site. Two predict that the variant creates a cryptic 3' acceptor site. However, these predictions have yet to be confirmed by functional studies. The variant was absent in 228764 control chromosomes. The available data on variant occurrences in the general population are insufficient to allow any conclusion about variant significance. To our knowledge, no occurrence of c.-32-3_-26del10 in individuals affected with GAA-related conditions and no experimental evidence demonstrating its impact on protein function have been reported. ClinVar contains an entry for this variant (Variation ID: 2070234). Based on the evidence outlined above, the variant was classified as uncertain significance.

NM_000152.5(GAA):c.-32-3_-26del

Gene: GAA (alpha glucosidase; plus strand). Cytogenetic location: 17q25.3.
Variant type: Deletion.
Coding change: c.-32-3_-26del on transcript NM_000152.5 (MANE Select); 3 bases into the intron before 32 bases upstream of the start codon through 26 bases upstream of the start codon, 10 bases deleted (CAGGCCTGTA; older notation c.-32-3_-26delCAGGCCTGTA).
Molecular consequence: splice acceptor variant.
Genome position (GRCh38, 1-based): chr17:80,104,552-80,104,561, CAGGCCTGTA deleted. VCF-style (leftmost placement, unchanged base first): chr17-80104551-GCAGGCCTGTA-G. GRCh37 (hg19) VCF-style: chr17-78078350-GCAGGCCTGTA-G.
Other names: c.-32-3_-26del (NM_001406741.1, NM_001406742.1, NM_001079803.3 and 1 more transcripts); c.-32-3_-26del10 (NM_000152.5).
Identifiers: ClinVar variation 4887209 (VCV004887209.1).